The following is an entry in ClinVar:

ClinVar aggregate classification (germline): Uncertain significance (1 of 4 stars; one submission).

Allele frequency attached by ClinVar (database versions not stated): TOPMed below 0.00001; gnomAD 0.00001.
gnomAD v4.1: 3 of 1,613,680 alleles (0.00019%); highest among the groups gnomAD compares: East Asian, 0.0022%; no homozygotes.

Submission:

Labcorp Genetics (formerly Invitae), Labcorp
Classification: Uncertain significance. Last evaluated: 2024-08-04. Review status: criteria provided, single submitter. Criteria: Invitae Variant Classification Sherloc (09022015). Collection method: clinical testing. Allele origin: germline.
Comment: This sequence change replaces arginine, which is basic and polar, with lysine, which is basic and polar, at codon 403 of the IL6ST protein (p.Arg403Lys). This variant is not present in population databases (gnomAD no frequency). This variant has not been reported in the literature in individuals affected with IL6ST-related conditions. An algorithm developed to predict the effect of missense changes on protein structure and function (PolyPhen-2) suggests that this variant is likely to be tolerated. In summary, the available evidence is currently insufficient to determine the role of this variant in disease. Therefore, it has been classified as a Variant of Uncertain Significance.

NM_002184.4(IL6ST):c.1208G>A (p.Arg403Lys)

Gene: IL6ST (interleukin 6 cytokine family signal transducer; minus strand). Cytogenetic location: 5q11.2.
Variant type: single nucleotide variant.
Coding change: c.1208G>A on transcript NM_002184.4 (MANE Select); coding-DNA position 1208, G replaced by A.
Protein change: p.Arg403Lys; replaces arginine 403 with lysine.
Molecular consequence: missense variant. On other transcripts: 3 prime UTR variant (1), non-coding transcript variant (2).
Genome position (GRCh38, 1-based): chr5:55,956,084, C>T on the plus strand (G>A on the coding strand, the complement: IL6ST is on the minus strand). VCF-style: chr5-55956084-C-T. GRCh37 (hg19) VCF-style: chr5-55251912-C-T.
Other names: c.1208G>A, p.Arg403Lys (NM_001190981.2, NM_001364275.2); c.998G>A, p.Arg333Lys (NM_001364276.2); c.341G>A, p.Arg114Lys (NM_001364277.2); c.305G>A, p.Arg102Lys (NM_001364278.2); c.212G>A, p.Arg71Lys (NM_001364279.2); c.*135G>A (NM_175767.3); short protein forms R333K, R403K, R102K, R114K, R71K.
Identifiers: ClinVar variation 2996247 (VCV002996247.3), dbSNP rs1233215714, ClinGen allele CA359763967.